The following is an entry in ClinVar:

ClinVar aggregate classification (germline): Uncertain significance. Review status: criteria provided, multiple submitters, no conflicts (2 of 4 stars). 2 submissions from 2 submitters: Uncertain significance (2). Last evaluated 2025-11-02.

Conditions:
Autosomal dominant polycystic kidney disease. Identifiers: Orphanet 730, MedGen C0085413, MONDO:0004691.
Polycystic kidney disease 2 (PKD2). Also called: POLYCYSTIC KIDNEY DISEASE 2 WITH OR WITHOUT POLYCYSTIC LIVER DISEASE; Polycystic Kidney Disease 2, Autosomal Dominant; POLYCYSTIC KIDNEY DISEASE, ADULT, TYPE II. Identifiers: MedGen C2751306, MONDO:0013131, OMIM 613095.

Allele frequency attached by ClinVar (database versions not stated): gnomAD exomes below 0.00001 and 0.00001; ExAC 0.00001.

Submissions (2):

Labcorp Genetics (formerly Invitae), Labcorp
Classification: Uncertain significance for Autosomal dominant polycystic kidney disease. Last evaluated: 2025-11-02. Review status: criteria provided, single submitter. Criteria: Invitae Variant Classification Sherloc (09022015). Collection method: clinical testing. Allele origin: germline.
Comment: This sequence change replaces aspartic acid, which is acidic and polar, with glycine, which is neutral and non-polar, at codon 744 of the PKD2 protein (p.Asp744Gly). This variant is present in population databases (rs763311767, gnomAD 0.0009%). This variant has not been reported in the literature in individuals affected with PKD2-related conditions. ClinVar contains an entry for this variant (Variation ID: 811474). Invitae Evidence Modeling of protein sequence and biophysical properties (such as structural, functional, and spatial information, amino acid conservation, physicochemical variation, residue mobility, and thermodynamic stability) indicates that this missense variant is expected to disrupt PKD2 protein function with a positive predictive value of 80%. In summary, the available evidence is currently insufficient to determine the role of this variant in disease. Therefore, it has been classified as a Variant of Uncertain Significance.

ARUP Laboratories, Molecular Genetics and Genomics, ARUP Laboratories
Classification: Uncertain significance for Polycystic kidney disease 2. Last evaluated: 2019-06-09. Review status: criteria provided, single submitter. Criteria: ARUP Molecular Germline Variant Investigation Process. Collection method: clinical testing. Allele origin: germline.
Comment: The PKD2 c.2231A>G; p.Asp744Gly variant (rs763311767), to our knowledge, is not reported in the medical literature or gene-specific databases. This variant is found on a single chromosome (1/251364 alleles) in the Genome Aggregation Database. The aspartate at codon 744 is moderately conserved, but computational analyses (SIFT, PolyPhen-2) predict that this variant is tolerated. However, due to limited information, the clinical significance of the p.Asp744Gly variant is uncertain at this time.

NM_000297.4(PKD2):c.2231A>G (p.Asp744Gly)

Gene: PKD2 (polycystin 2, transient receptor potential cation channel; plus strand). Cytogenetic location: 4q22.1.
Variant type: single nucleotide variant.
Coding change: c.2231A>G on transcript NM_000297.4 (MANE Select); coding-DNA position 2231, A replaced by G.
Protein change: p.Asp744Gly; replaces aspartic acid 744 with glycine.
Molecular consequence: missense variant. On other transcripts: non-coding transcript variant (1).
Genome position (GRCh38, 1-based): chr4:88,065,486, A>G. VCF-style: chr4-88065486-A-G. GRCh37 (hg19) VCF-style: chr4-88986638-A-G.
Other names: short protein forms D744G.
Identifiers: ClinVar variation 811474 (VCV000811474.12), dbSNP rs763311767, ClinGen allele CA3004166.